The following is an entry in ClinVar:

NM_000876.4(IGF2R):c.50G>C (p.Arg17Pro)

Genes: IGF2R (insulin like growth factor 2 receptor; plus strand), LOC129997612 (ATAC-STARR-seq lymphoblastoid silent region 17757; plus strand). Cytogenetic location: 6q25.3.
Variant type: single nucleotide variant.
Coding change: c.50G>C on transcript NM_000876.4 (MANE Select); coding-DNA position 50, G replaced by C.
Protein change: p.Arg17Pro; replaces arginine 17 with proline.
Molecular consequence: missense variant.
Genome position (GRCh38, 1-based): chr6:159,969,296, G>C. VCF-style: chr6-159969296-G-C. GRCh37 (hg19) VCF-style: chr6-160390328-G-C.
Other names: short protein forms R17P.
Identifiers: ClinVar variation 1173093 (VCV001173093.4), dbSNP rs2115160662, ClinGen allele CA366318354.

ClinVar aggregate classification (germline): Uncertain significance (1 of 4 stars; one submission).

Conditions:
Hepatocellular carcinoma (HCC). Also called: Primary carcinoma of liver; HEPATOMA; LIVER CELL CARCINOMA. Identifiers: Orphanet 88673, MedGen C2239176, MONDO:0007256, OMIM 114550, HP:0001402.

Submission:

Diagnostics Services (NGS), CSIR - Centre For Cellular And Molecular Biology
Classification: Uncertain significance for Hepatocellular carcinoma. Last evaluated: 2021-03-09. Review status: criteria provided, single submitter. Criteria: ACMG Guidelines, 2015. Collection method: clinical testing. Allele origin: unknown. Affected: yes. Observed: 1 variant allele, 1 heterozygote.
Comment: The c.50G>C variant is not present in publicly available population databases like 1000 Genomes, Exome Variant Server (EVS), Exome Aggregation Consortium (ExAC) and Genome Aggregation Database (gnomAD). The variant is not present in Indian Exome Database [Kausthubham et al. Hum Mutat, 2021] and in our in-house exome database. The variant was not reported earlier to ClinVar, Human Genome Mutation Database (HGMD) and/or OMIM databases in any affected individuals. Predictions from in-silico pathogenicity prediction programs like SIFT, PolyPhen-3, MutationTaster2, CADD, InterVar, Varsome etc. are contradictory. Due to lack of enough evidence the variant has been classified as uncertain significance.